The following is an entry in ClinVar:

ClinVar aggregate classification (germline): Uncertain significance (1 of 4 stars; one submission).

Conditions:
Retinoblastoma (RB1). Also called: RETINOBLASTOMA, SOMATIC. Identifiers: Orphanet 790, MedGen C0035335, MeSH D012175, MONDO:0008380, OMIM 180200, HP:0009919. Disease mechanism: loss of function. Inheritance: Both sporadic and heritable forms are tested..

gnomAD v4.1: 5 of 1,406,260 alleles (0.00036%); highest among the groups gnomAD compares: Middle Eastern, 0.025%; no homozygotes.

Submission:

Labcorp Genetics (formerly Invitae), Labcorp
Classification: Uncertain significance for Retinoblastoma. Last evaluated: 2025-11-18. Review status: criteria provided, single submitter. Criteria: Invitae Variant Classification Sherloc (09022015). Collection method: clinical testing. Allele origin: germline.
Comment: This variant occurs in a non-coding region of the RB1 gene. It does not change the encoded amino acid sequence of the RB1 protein. This variant is not present in population databases (gnomAD no frequency). This variant has not been reported in the literature in individuals affected with RB1-related conditions. In summary, the available evidence is currently insufficient to determine the role of this variant in disease. Therefore, it has been classified as a Variant of Uncertain Significance.

NM_000321.3(RB1):c.-117T>G

Gene: RB1 (RB transcriptional corepressor 1; plus strand). Cytogenetic location: 13q14.2.
Variant type: single nucleotide variant.
Coding change: c.-117T>G on transcript NM_000321.3 (MANE Select); 117 bases upstream of the start codon, T replaced by G.
Molecular consequence: 5 prime UTR variant.
Genome position (GRCh38, 1-based): chr13:48,303,796, T>G. VCF-style: chr13-48303796-T-G. GRCh37 (hg19) VCF-style: chr13-48877932-T-G.
Other names: c.-117T>G (NM_001407165.1, NM_001407166.1, NM_001407167.1).
Identifiers: ClinVar variation 4731449 (VCV004731449.1).
Genomic context (GRCh38, chr13:48,303,796, plus strand): 5'-TTGGACGCGGCGCTCAGTTGCCGGGCGGGGGAGGGCGCGTCCGGTTTTTCTCAGGGGACG[T>G]TGAAATTATTTTTGTAACGGGAGTCGGGAGAGGACGGGGCGTGCCCCGACGTGCGCGCGC-3'